The following is an entry in ClinVar:

NM_007194.4(CHEK2):c.1009-4G>A

Gene: CHEK2 (checkpoint kinase 2; minus strand). Cytogenetic location: 22q12.1.
Variant type: single nucleotide variant.
Coding change: c.1009-4G>A on transcript NM_007194.4 (MANE Select); 4 bases into the intron before coding-DNA position 1009, G replaced by A.
Molecular consequence: intron variant.
Genome position (GRCh38, 1-based): chr22:28,696,991, C>T on the plus strand (G>A on the coding strand, the complement: CHEK2 is on the minus strand). VCF-style: chr22-28696991-C-T. GRCh37 (hg19) VCF-style: chr22-29092979-C-T.
Other names: c.346-4G>A (NM_001437942.1, NM_001257387.3); c.808-4G>A (NM_001349956.3); c.1009-1118G>A (NM_145862.3); c.1102-1118G>A (NM_001438295.1); c.1102-4G>A (NM_001438293.1); c.1138-1118G>A (NM_001438294.1); c.1138-4G>A (NM_001005735.3).
Identifiers: ClinVar variation 383801 (VCV000383801.4), dbSNP rs1057521735, ClinGen allele CA16608604.

ClinVar aggregate classification (germline): Conflicting classifications of pathogenicity. Review status: criteria provided, conflicting classifications (1 of 4 stars). 4 submissions from 4 submitters: Uncertain significance (1); Likely benign (3). Last evaluated 2025-10-21.

Conditions:
Familial cancer of breast. Also called: hereditary breast carcinoma; Hereditary breast cancer; BREAST CANCER, FAMILIAL. Identifiers: Orphanet 227535, MedGen C0346153, MONDO:0016419, OMIM 114480. Disease mechanism: loss of function.
Hereditary cancer-predisposing syndrome. Also called: Hereditary Cancer Syndrome; Hereditary neoplastic syndrome; Neoplastic Syndromes, Hereditary; Tumor predisposition. Identifiers: Orphanet 140162, MedGen C0027672, MeSH D009386, MONDO:0015356.

Allele frequency attached by ClinVar (database versions not stated): gnomAD exomes below 0.00001.
gnomAD v4.1: 1 of 1,596,144 alleles (0.000063%); highest among the groups gnomAD compares: Non-Finnish European, 0.000086%; no homozygotes.

Submissions (4):

Labcorp Genetics (formerly Invitae), Labcorp
Classification: Uncertain significance for Familial cancer of breast. Last evaluated: 2025-10-21. Review status: criteria provided, single submitter. Criteria: Invitae Variant Classification Sherloc (09022015). Collection method: clinical testing. Allele origin: germline.
Comment: This sequence change falls in intron 9 of the CHEK2 gene. It does not directly change the encoded amino acid sequence of the CHEK2 protein. This variant is not present in population databases (gnomAD no frequency). This variant has not been reported in the literature in individuals affected with CHEK2-related conditions. ClinVar contains an entry for this variant (Variation ID: 383801). Studies have shown that this variant is associated with inconclusive levels of altered splicing (internal data). In summary, the available evidence is currently insufficient to determine the role of this variant in disease. Therefore, it has been classified as a Variant of Uncertain Significance.

Ambry Genetics
Classification: Likely benign for Hereditary cancer-predisposing syndrome. Last evaluated: 2024-11-27. Review status: criteria provided, single submitter. Criteria: Ambry Variant Classification Scheme 2023. Collection method: clinical testing. Allele origin: germline.

Myriad Genetics, Inc.
Classification: Likely benign for Familial cancer of breast. Last evaluated: 2024-10-04. Review status: criteria provided, single submitter. Criteria: Myriad Autosomal Dominant, Autosomal Recessive and X-Linked Classification Criteria (2023). Collection method: clinical testing. Allele origin: unknown.
Comment: This variant is considered likely benign. This variant is intronic and is not expected to impact mRNA splicing.

GeneDx
Classification: Likely benign. Last evaluated: 2016-02-09. Review status: criteria provided, single submitter. Criteria: GeneDx Variant Classification (06012015). Collection method: clinical testing. Allele origin: germline. Affected: yes.
Comment: This variant is considered likely benign or benign based on one or more of the following criteria: it is a conservative change, it occurs at a poorly conserved position in the protein, it is predicted to be benign by multiple in silico algorithms, and/or has population frequency not consistent with disease.